The following is an entry in ClinVar:

NM_003000.3(SDHB):c.720A>G (p.Leu240=)

Gene: SDHB (succinate dehydrogenase complex iron sulfur subunit B; minus strand). Cytogenetic location: 1p36.13.
Variant type: single nucleotide variant.
Coding change: c.720A>G on transcript NM_003000.3 (MANE Select); coding-DNA position 720, A replaced by G.
Protein change: p.Leu240=; no amino-acid change (leucine 240 retained).
Molecular consequence: synonymous variant.
Genome position (GRCh38, 1-based): chr1:17,022,653, T>C on the plus strand (A>G on the coding strand, the complement: SDHB is on the minus strand). VCF-style: chr1-17022653-T-C. GRCh37 (hg19) VCF-style: chr1-17349148-T-C.
Identifiers: ClinVar variation 459168 (VCV000459168.16), dbSNP rs759446340, ClinGen allele CA089717.

ClinVar aggregate classification (germline): Benign/Likely benign. Review status: criteria provided, multiple submitters, no conflicts (2 of 4 stars). 5 submissions from 5 submitters: Benign (1); Likely benign (4). Last evaluated 2026-01-08.

Conditions:
Hereditary pheochromocytoma and paraganglioma. Also called: Hereditary Paraganglioma-Pheochromocytoma Syndromes; Hereditary paragangliomas and pheochromocytomas; Hereditary pheochromocytoma-paraganglioma. Identifiers: Orphanet 29072, MedGen C4274332, MONDO:0017366.
Pheochromocytoma. Also called: MAX-Related Hereditary Paraganglioma-Pheochromocytoma Syndrome. Identifiers: Orphanet 29072, MedGen C0031511, MONDO:0008233, OMIM 171300, HP:0002666.
Pheochromocytoma/paraganglioma syndrome 4. Also called: SDHB-Related Hereditary Paraganglioma-Pheochromocytoma Syndrome (Paragangliomas 4); CAROTID BODY TUMORS AND MULTIPLE EXTRAADRENAL PHEOCHROMOCYTOMAS; PARAGANGLIOMA, FAMILIAL MALIGNANT; PARAGANGLIOMAS, HEREDITARY EXTRAADRENAL; SDHB-Related Hereditary Paraganglioma-Pheochromocytoma Syndrome; PHEOCHROMOCYTOMA, FAMILIAL EXTRAADRENAL. Identifiers: Orphanet 29072, MedGen C1861848, MONDO:0007273, OMIM 115310.
Gastrointestinal stromal tumor. Also called: Gastrointestinal stroma tumor; Gastrointestinal stromal tumor, somatic. Identifiers: Orphanet 44890, MedGen C0238198, MeSH D046152, MONDO:0011719, OMIM 606764, HP:0100723.
Hereditary cancer-predisposing syndrome. Also called: Tumor predisposition; Hereditary neoplastic syndrome; Neoplastic Syndromes, Hereditary; Hereditary Cancer Syndrome. Identifiers: Orphanet 140162, MedGen C0027672, MeSH D009386, MONDO:0015356.

Allele frequency attached by ClinVar (database versions not stated): gnomAD exomes below 0.00001 and 0.00001; ExAC 0.00001; TOPMed 0.00001.
gnomAD v4.1: 7 of 1,614,026 alleles (0.00043%); highest among the groups gnomAD compares: South Asian, 0.0011%; no homozygotes.

Submissions (5):

Labcorp Genetics (formerly Invitae), Labcorp
Classification: Likely benign for Gastrointestinal stromal tumor; Pheochromocytoma/paraganglioma syndrome 4; Pheochromocytoma. Last evaluated: 2026-01-08. Review status: criteria provided, single submitter. Criteria: Invitae Variant Classification Sherloc (09022015). Collection method: clinical testing. Allele origin: germline.

Myriad Genetics, Inc.
Classification: Benign for Pheochromocytoma/paraganglioma syndrome 4. Last evaluated: 2025-03-13. Review status: criteria provided, single submitter. Criteria: Myriad Autosomal Dominant, Autosomal Recessive and X-Linked Classification Criteria (2023). Collection method: clinical testing. Allele origin: unknown.
Comment: This variant is considered benign. This variant is a silent/synonymous amino acid change and it is not expected to impact splicing.

All of Us Research Program, National Institutes of Health
Classification: Likely benign for Hereditary pheochromocytoma and paraganglioma. Last evaluated: 2023-12-01. Review status: criteria provided, single submitter. Criteria: ACMG Guidelines, 2015. Collection method: clinical testing. Allele origin: germline. Inheritance: Autosomal dominant inheritance. Observed: 2 variant alleles, 2 heterozygotes.
Comment: This study involves interpretation of variants in research participants for the purpose of population health screening. Participant phenotype was not available at the time of variant classification. Additional details can be found in publication PMID: 35346344, PMCID: PMC8962531

Color Diagnostics, LLC DBA Color Health
Classification: Likely benign for Hereditary pheochromocytoma and paraganglioma. Last evaluated: 2022-11-07. Review status: criteria provided, single submitter. Criteria: ACMG Guidelines, 2015. Collection method: clinical testing. Allele origin: germline.

Ambry Genetics
Classification: Likely benign for Hereditary cancer-predisposing syndrome. Last evaluated: 2021-07-13. Review status: criteria provided, single submitter. Criteria: Ambry Variant Classification Scheme 2023. Collection method: clinical testing. Allele origin: germline.